The following is an entry in ClinVar:

ClinVar aggregate classification (germline): Uncertain significance. Review status: criteria provided, multiple submitters, no conflicts (2 of 4 stars). 2 submissions from 2 submitters: Uncertain significance (2). Last evaluated 2024-09-30.

Allele frequency attached by ClinVar (database versions not stated): gnomAD exomes below 0.00001; TOPMed below 0.00001.
gnomAD v4.1: 3 of 1,324,854 alleles (0.00023%); highest among the groups gnomAD compares: Non-Finnish European, 0.00029%; no homozygotes.

Submissions (2):

GeneDx
Classification: Uncertain significance. Last evaluated: 2024-09-30. Review status: criteria provided, single submitter. Criteria: GeneDx Variant Classification Process June 2021. Collection method: clinical testing. Allele origin: germline. Affected: yes.
Comment: Not observed at significant frequency in large population cohorts (gnomAD); In silico analysis indicates that this missense variant does not alter protein structure/function; Has not been previously published as pathogenic or benign to our knowledge

Labcorp Genetics (formerly Invitae), Labcorp
Classification: Uncertain significance. Last evaluated: 2023-05-11. Review status: criteria provided, single submitter. Criteria: Invitae Variant Classification Sherloc (09022015). Collection method: clinical testing. Allele origin: germline.
Comment: This sequence change replaces leucine, which is neutral and non-polar, with proline, which is neutral and non-polar, at codon 21 of the INSR protein (p.Leu21Pro). This variant is not present in population databases (gnomAD no frequency). This variant has not been reported in the literature in individuals affected with INSR-related conditions. Advanced modeling of protein sequence and biophysical properties (such as structural, functional, and spatial information, amino acid conservation, physicochemical variation, residue mobility, and thermodynamic stability) performed at Invitae indicates that this missense variant is not expected to disrupt INSR protein function. In summary, the available evidence is currently insufficient to determine the role of this variant in disease. Therefore, it has been classified as a Variant of Uncertain Significance.

NM_000208.4(INSR):c.62T>C (p.Leu21Pro)

Genes: INSR (insulin receptor; minus strand), LOC130063353 (ATAC-STARR-seq lymphoblastoid silent region 9974; plus strand). Cytogenetic location: 19p13.2.
Variant type: single nucleotide variant.
Coding change: c.62T>C on transcript NM_000208.4 (MANE Select); coding-DNA position 62, T replaced by C.
Protein change: p.Leu21Pro; replaces leucine 21 with proline.
Molecular consequence: missense variant.
Genome position (GRCh38, 1-based): chr19:7,293,830, A>G on the plus strand (T>C on the coding strand, the complement: INSR is on the minus strand). VCF-style: chr19-7293830-A-G. GRCh37 (hg19) VCF-style: chr19-7293841-A-G.
Other names: c.62T>C (NM_000208.2); c.62T>C, p.Leu21Pro (NM_001079817.3); short protein forms L21P.
Identifiers: ClinVar variation 2791072 (VCV002791072.4), dbSNP rs1968564144, ClinGen allele CA403162553.